The following is an entry in ClinVar:

ClinVar aggregate classification (germline): Conflicting classifications of pathogenicity. Review status: criteria provided, conflicting classifications (1 of 4 stars). 4 submissions from 4 submitters: Uncertain significance (2); Likely benign (1). 1 of the submissions does not count toward it. Last evaluated 2024-11-28.

Conditions:
Inborn genetic diseases. Identifiers: MedGen C0950123, MeSH D030342.
RSPO4-related disorder. Also called: RSPO4-related condition.

Allele frequency attached by ClinVar (database versions not stated): 1000 Genomes Project 0.00060; 1000 Genomes Project 30x 0.00078; gnomAD 0.00289; ExAC 0.00311; ESP Exome Variant Server 0.00368; gnomAD exomes 0.00433.
gnomAD v4.1: 6,698 of 1,613,792 alleles (0.42%); highest among the groups gnomAD compares: Non-Finnish European, 0.51%; 23 homozygotes.

Submissions (4):

Blueprint Genetics
Classification: Likely benign. Last evaluated: 2024-11-28. Review status: criteria provided, single submitter. Criteria: ACMG Guidelines, 2015. Collection method: clinical testing. Allele origin: germline.

GeneDx
Classification: Uncertain significance. Last evaluated: 2023-11-22. Review status: criteria provided, single submitter. Criteria: GeneDx Variant Classification Process June 2021. Collection method: clinical testing. Allele origin: germline. Affected: yes.
Comment: In silico analysis supports that this missense variant has a deleterious effect on protein structure/function; Has not been previously published as pathogenic or benign to our knowledge

Ambry Genetics
Classification: Uncertain significance for Inborn genetic diseases. Last evaluated: 2021-10-18. Review status: criteria provided, single submitter. Criteria: Ambry Variant Classification Scheme 2023. Collection method: clinical testing. Allele origin: germline.

PreventionGenetics, part of Exact Sciences
Classification: Likely benign for RSPO4-related condition. Last evaluated: 2020-03-03. Review status: no assertion criteria provided. Collection method: clinical testing. Allele origin: germline. Not counted in ClinVar's aggregate classification.
Comment: This variant is classified as likely benign based on ACMG/AMP sequence variant interpretation guidelines (Richards et al. 2015 PMID: 25741868, with internal and published modifications).

NM_001029871.4(RSPO4):c.455A>C (p.His152Pro)

Gene: RSPO4 (R-spondin 4; minus strand). Cytogenetic location: 20p13.
Variant type: single nucleotide variant.
Coding change: c.455A>C on transcript NM_001029871.4 (MANE Select); coding-DNA position 455, A replaced by C.
Protein change: p.His152Pro; replaces histidine 152 with proline.
Molecular consequence: missense variant. On other transcripts: intron variant (1).
Genome position (GRCh38, 1-based): chr20:964,075, T>G on the plus strand (A>C on the coding strand, the complement: RSPO4 is on the minus strand). VCF-style: chr20-964075-T-G. GRCh37 (hg19) VCF-style: chr20-944718-T-G.
Other names: c.409+3099A>C (NM_001040007.3); short protein forms H152P.
Identifiers: ClinVar variation 2352533 (VCV002352533.6), dbSNP rs191521473, ClinGen allele CA9725628.